The following is an entry in ClinVar:

ClinVar aggregate classification (germline): Conflicting classifications of pathogenicity. Review status: criteria provided, conflicting classifications (1 of 4 stars). 2 submissions from 2 submitters: Uncertain significance (1); Likely benign (1). Last evaluated 2024-01-05.

Conditions:
Inborn genetic diseases. Identifiers: MedGen C0950123, MeSH D030342.
Autosomal dominant childhood-onset proximal spinal muscular atrophy with contractures (SMALED2A). Also called: SPINAL MUSCULAR ATROPHY, LOWER EXTREMITY-PREDOMINANT, 2A, CHILDHOOD ONSET, AUTOSOMAL DOMINANT; Spinal muscular atrophy, lower extremity-predominant, 2A, autosomal dominant. Identifiers: Orphanet 363447, Orphanet 363454, MedGen C4747715, MONDO:0014121, OMIM 615290.

Allele frequency attached by ClinVar (database versions not stated): gnomAD 0.00001 and 0.00002; ExAC 0.00002; gnomAD exomes 0.00002; TOPMed 0.00004; 1000 Genomes Project 0.00020; 1000 Genomes Project 30x 0.00031.

Submissions (2):

Labcorp Genetics (formerly Invitae), Labcorp
Classification: Likely benign for Autosomal dominant childhood-onset proximal spinal muscular atrophy with contractures. Last evaluated: 2024-01-05. Review status: criteria provided, single submitter. Criteria: Invitae Variant Classification Sherloc (09022015). Collection method: clinical testing. Allele origin: germline.

Ambry Genetics
Classification: Uncertain significance for Inborn genetic diseases. Last evaluated: 2022-09-29. Review status: criteria provided, single submitter. Criteria: Ambry Variant Classification Scheme 2023. Collection method: clinical testing. Allele origin: germline.
Comment: The p.R399C variant (also known as c.1195C>T), located in coding exon 5 of the BICD2 gene, results from a C to T substitution at nucleotide position 1195. The arginine at codon 399 is replaced by cysteine, an amino acid with highly dissimilar properties. This amino acid position is conserved. In addition, this alteration is predicted to be tolerated by in silico analysis. Since supporting evidence is limited at this time, the clinical significance of this alteration remains unclear.

NM_001003800.2(BICD2):c.1195C>T (p.Arg399Cys)

Gene: BICD2 (BICD cargo adaptor 2; minus strand). Cytogenetic location: 9q22.31.
Variant type: single nucleotide variant.
Coding change: c.1195C>T on transcript NM_001003800.2 (MANE Select); coding-DNA position 1195, C replaced by T.
Protein change: p.Arg399Cys; replaces arginine 399 with cysteine.
Molecular consequence: missense variant.
Genome position (GRCh38, 1-based): chr9:92,719,450, G>A on the plus strand (C>T on the coding strand, the complement: BICD2 is on the minus strand). VCF-style: chr9-92719450-G-A. GRCh37 (hg19) VCF-style: chr9-95481732-G-A.
Other names: c.1195C>T, p.Arg399Cys (NM_015250.4); short protein forms R399C.
Identifiers: ClinVar variation 665983 (VCV000665983.11), dbSNP rs200542458, ClinGen allele CA5126610.